The following is an entry in ClinVar:

NM_000059.4(BRCA2):c.517-2A>G

Gene: BRCA2 (BRCA2 DNA repair associated; plus strand). Cytogenetic location: 13q13.1.
Variant type: single nucleotide variant.
Coding change: c.517-2A>G on transcript NM_000059.4 (MANE Select); the canonical splice acceptor site of the intron before coding-DNA position 517, A replaced by G.
Molecular consequence: splice acceptor variant.
Genome position (GRCh38, 1-based): chr13:32,326,497, A>G. VCF-style: chr13-32326497-A-G. GRCh37 (hg19) VCF-style: chr13-32900634-A-G.
Other names: IVS6-2A>G; c.517-2A>G (NM_001406720.1, NM_001406719.1, NM_001406721.1); c.148-2A>G (NM_001406722.1).
Identifiers: ClinVar variation 51801 (VCV000051801.63), dbSNP rs81002858, ClinGen allele CA021578.
Genomic context (GRCh38, chr13:32,326,497, plus strand): 5'-AAATAATATCCTTAATGATCAGGGCATTTCTATAAAAAATAAACTATTTTCTTTCCTCCC[A>G]GGGTCGTCAGACACCAAAACATATTTCTGAAAGTCTAGGAGCTGAGGTGGATCCTGATAT-3'

ClinVar aggregate classification (germline): Pathogenic. Review status: reviewed by expert panel (3 of 4 stars). 25 submissions from 25 submitters: Pathogenic (1). 24 of the submissions do not count toward it. Last evaluated 2019-06-18.

Conditions:
BRCA2-related disorder. Also called: BRCA2-related condition; BRCA2-related disorders. Identifiers: MedGen CN239275.
NICE approved PARP inhibitor treatment.
BRCA2-related cancer predisposition. Identifiers: MedGen CN377758, MONDO:0700269.
Breast-ovarian cancer, familial, susceptibility to, 2 (BROVCA2). Also called: BRCA2 Hereditary Breast and Ovarian Cancer. Identifiers: Orphanet 145, MedGen C2675520, MONDO:0012933, OMIM 612555. Disease mechanism: loss of function.
Hereditary breast ovarian cancer syndrome. Also called: Breast and ovarian cancer; Hereditary breast and ovarian cancer; Hereditary breast and ovarian cancer syndrome (HBOC); Hereditary breast and ovarian cancer syndrome; BRCA1- and BRCA2-Associated Hereditary Breast and Ovarian Cancer; Hereditary breast and/or ovarian cancer syndrome. Identifiers: Orphanet 145, MedGen C0677776, MeSH D061325, MONDO:0003582. Disease mechanism: loss of function.
Hereditary cancer-predisposing syndrome. Also called: Neoplastic Syndromes, Hereditary; Tumor predisposition; Hereditary neoplastic syndrome; Hereditary Cancer Syndrome. Identifiers: Orphanet 140162, MedGen C0027672, MeSH D009386, MONDO:0015356.
Familial cancer of breast. Also called: BREAST CANCER, FAMILIAL; hereditary breast carcinoma; Hereditary breast cancer. Identifiers: Orphanet 227535, MedGen C0346153, MONDO:0016419, OMIM 114480. Disease mechanism: loss of function.

Allele frequency attached by ClinVar (database versions not stated): gnomAD exomes 0.00001.
gnomAD v4.1: 14 of 1,598,948 alleles (0.00088%); highest among the groups gnomAD compares: Non-Finnish European, 0.0012%; no homozygotes.

Submissions 1 to 7 of 25:

Evidence-based Network for the Interpretation of Germline Mutant Alleles (ENIGMA)
Classification: Pathogenic for Breast-ovarian cancer, familial, susceptibility to, 2. Last evaluated: 2019-06-18. Review status: reviewed by expert panel. Criteria: ENIGMA BRCA1/2 Classification Criteria (2017-06-29). Collection method: curation. Allele origin: germline.
Comment: IARC class based on posterior probability from multifactorial likelihood analysis, thresholds for class as per Plon et al. 2008 (PMID: 18951446). Class 5 based on posterior probability = 0.999418

NHS Central & South Genomic Laboratory Hub
Classification: Pathogenic for NICE approved PARP inhibitor treatment. Last evaluated: 2026-10-06. Review status: criteria provided, single submitter. Criteria: ACMG Guidelines, 2015. Collection method: clinical testing. Allele origin: germline. Affected: yes. Not counted in ClinVar's aggregate classification.

Labcorp Genetics (formerly Invitae), Labcorp
Classification: Pathogenic for Hereditary breast ovarian cancer syndrome. Last evaluated: 2026-01-29. Review status: criteria provided, single submitter. Criteria: Invitae Variant Classification Sherloc (09022015). Collection method: clinical testing. Allele origin: germline. Not counted in ClinVar's aggregate classification.
Comment: This sequence change affects an acceptor splice site in intron 6 of the BRCA2 gene. RNA analysis indicates that disruption of this splice site induces altered splicing and may result in an absent or altered protein product. This variant is not present in population databases (gnomAD no frequency). Disruption of this splice site has been observed in individual(s) with breast cancer, ovarian cancer and Fanconi anemia (PMID: 14647210, 24728189, 26681682, 27836010, 28102861). ClinVar contains an entry for this variant (Variation ID: 51801). Studies have shown that disruption of this splice site alters mRNA splicing and is expected to lead to the loss of protein expression (PMID: 22505045, 30883759; internal data). For these reasons, this variant has been classified as Pathogenic.

German Consortium for Hereditary Breast and Ovarian Cancer, University Hospital Cologne
Classification: Likely pathogenic, low penetrance for Hereditary breast ovarian cancer syndrome. Last evaluated: 2026-01-13. Review status: criteria provided, single submitter. Criteria: ClinGen BRCA2 V1.1.0. Collection method: curation. Allele origin: germline. Not counted in ClinVar's aggregate classification.
Comment: This classification follows the ClinGen ENIGMA BRCA2 v1.1.0 classification scheme; We chose these criteria: PS4 (strong pathogenic): CanVAR 35/80722 cases, 5/257751 UK Biobank (females) OR 22,36 (95%CI 8,760 to 57,08), PM2 (supporting pathogenic): not in gnomAD v2/v3, PM3 (supporting pathogenic): Mori et al. 2019 (PMID: PMID: 30792206) - in FA patient (phase unknown) with p.R2518X (1pt), PP4 (supporting pathogenic): Combined LR Score 2.42977 (UCSC)

Ambry Genetics
Classification: Likely pathogenic for Hereditary cancer-predisposing syndrome. Last evaluated: 2025-11-04. Review status: criteria provided, single submitter. Criteria: Ambry Variant Classification Scheme 2023. Collection method: clinical testing. Allele origin: germline. Not counted in ClinVar's aggregate classification.
Comment: The c.517-2A>G intronic variant results from an A to G substitution 2 nucleotides upstream from coding exon 6 in the BRCA2 gene. This alteration has been identified in the homozygous state and with another truncating BRCA2 variant (phase unknown) in patients with Fanconi Anemia (Leach M et al. Practical Flow Cytometry in Hematology: 100 worked examples. 321-324; 2015; Muramatsu H et al. Genet. Med., 2017 07;19:796-802). This alteration has also been reported in the heterozygous state in individuals diagnosed with ovarian, breast and aggressive prostate cancer (Jakubowska A et al. Eur J Hum Genet. 2003 Dec;11(12):955-8; Eccles DM et al. Ann. Oncol., 2016 Mar;27:467-73; Song H et al. Hum. Mol. Genet., 2014 Sep;23:4703-9; Rebbeck TR et al. Breast Cancer Res., 2016 11;18:112; Pritchard CC et al. N. Engl. J. Med., 2016 Aug;375:443-53; Palmer JR et al. J Natl Cancer Inst, 2020 12;112:1213-1221). This alteration has been classified as pathogenic by multifactorial analysis, which integrates the following lines of evidence to produce a quantitative likelihood of pathogenicity: in silico prediction models, segregation with disease, tumor characteristics, and mutation co-occurrence (Parsons MT et al. Hum. Mutat. 2019 09;40(9):1557-1578). Of note, this alteration is also designated as IVS6-2A>G in published literature. This nucleotide position is well conserved in available vertebrate species. In silico splice site analysis predicts that this alteration will weaken the native splice acceptor site. This alteration results in skipping of coding exon 6 in multiple different RNA studies (Ambry internal data; Houdayer C et al. Hum Mut. 2012; 33:1228&ndash;38; Fraile-Bethencourt E et al. J. Pathol. 2019 08;248(4):409-420). This alteration partially complemented survival in a Brca2-null mouse embryonic stem cell assay and surviving cells retained partial homology-directed DNA repair activity which could be imparted by the weak expression of an in-frame rescue transcript (Mesman RLS et al. Genet Med, 2020 08;22:1355-1365). Based on the majority of available evidence to date, this variant is likely to be pathogenic. However, because this variant is identified in one or more patients with Fanconi Anemia it may be hypomorphic and thus, carriers of this variant and their families may present with reduced risks, and not with the typical clinical characteristics of a high-risk pathogenic BRCA2 alteration. As risk estimates are unknown at this time, clinical correlation is advised.

Variantyx, Inc.
Classification: Likely pathogenic for Breast-ovarian cancer, familial, susceptibility to, 2. Last evaluated: 2025-09-04. Review status: criteria provided, single submitter. Criteria: Variantyx Assertion Criteria 2022. Collection method: clinical testing. Allele origin: germline. Inheritance: Autosomal dominant inheritance. Affected: yes. Not counted in ClinVar's aggregate classification.
Comment: This is a canonical splicing variant in the BRCA2 gene (OMIM: 600185). Pathogenic variants in this gene have been associated with autosomal dominant susceptibility to familial breast ovarian cancer 2. This splicing variant is expected to result in loss of function, which is a known disease mechanism for BRCA2 in this disorder (PMID: 31843900) (PVS1). It has a 0.0013% maximum allele frequency in non-founder control populations (PM2). Based on the current evidence, this variant is classified as likely pathogenic for autosomal dominant susceptibility to familial breast ovarian cancer 2.

All of Us Research Program, National Institutes of Health
Classification: Pathogenic for BRCA2-related cancer predisposition. Last evaluated: 2024-09-27. Review status: criteria provided, single submitter. Criteria: ACMG Guidelines, 2015. Collection method: clinical testing. Allele origin: germline. Inheritance: Autosomal dominant inheritance. Observed: 3 variant alleles, 3 heterozygotes. Not counted in ClinVar's aggregate classification.
Comment: This variant causes an A to G nucleotide substitution at the -2 position of intron 6 of the BRCA2 gene. This variant is also known as IVS6-2A>G and 745-2A>G in the literature. RNA studies have detected the out-of-frame skipping of exon 7 in carrier-derived RNA and in minigene splicing assays (PMID: 22505045, 30883759, 31843900). This variant has been reported in at least six individuals affected with breast and/or ovarian cancer (PMID: 14647210, 24240112, 24728189, 26681682, 33471991; Leiden Open Variation Database DB-ID BRCA2_003448) and in additional suspected hereditary breast and ovarian cancer families (PMID: 29176636, 29339979, 29446198). This variant also has been detected in an individual affected with prostate cancer (PMID: 27433846). The variant has been reported with segregation, tumor pathology and family history likelihood ratios for pathogenicity of 3.4966, 3.8211 and 3.1152, respectively (PMID: 31131967). This variant has not been identified in the general population by the Genome Aggregation Database (gnomAD). Loss of BRCA2 function is a known mechanism of disease. Based on the available evidence, this variant is classified as Pathogenic.

This study involves interpretation of variants in research participants for the purpose of population health screening. Participant phenotype was not available at the time of variant classification. Additional details can be found in publication PMID: 35346344, PMCID: PMC8962531